The following is an entry in ClinVar:

ClinVar aggregate classification (germline): Pathogenic/Likely pathogenic. Review status: criteria provided, multiple submitters, no conflicts (2 of 4 stars). 2 submissions from 2 submitters: Pathogenic (1); Likely pathogenic (1). Last evaluated 2023-08-31.

Conditions:
Immunodeficiency 67. Also called: Immunodeficiency due to interleukin-1 receptor-associated kinase-4 deficiency. Identifiers: Orphanet 70592, MedGen C1843256, MONDO:0011888, OMIM 607676.

Submissions (2):

Labcorp Genetics (formerly Invitae), Labcorp
Classification: Pathogenic for Immunodeficiency 67. Last evaluated: 2023-08-31. Review status: criteria provided, single submitter. Criteria: Invitae Variant Classification Sherloc (09022015). Collection method: clinical testing. Allele origin: germline.
Comment: For these reasons, this variant has been classified as Pathogenic. This variant has not been reported in the literature in individuals affected with IRAK4-related conditions. This variant is not present in population databases (gnomAD no frequency). This sequence change creates a premature translational stop signal (p.Arg347*) in the IRAK4 gene. It is expected to result in an absent or disrupted protein product. Loss-of-function variants in IRAK4 are known to be pathogenic (PMID: 17893200, 21057262).

Juno Genomics, Hangzhou Juno Genomics, Inc
Classification: Likely pathogenic for Immunodeficiency 67. Review status: criteria provided, single submitter. Criteria: ACMG Guidelines, 2015. Collection method: clinical testing. Allele origin: germline.
Comment: Null variant in a gene where loss of function (LOF) is a known mechanism of disease.;Absent from controls (or at extremely low frequency if recessive) in Genome Aggregation Database.

Literature cited by the submitters: PubMed 17893200 (cited by Labcorp Genetics (formerly Invitae), Labcorp); PubMed 21057262 (cited by Labcorp Genetics (formerly Invitae), Labcorp).

NM_016123.4(IRAK4):c.1039A>T (p.Arg347Ter)

Gene: IRAK4 (interleukin 1 receptor associated kinase 4; plus strand). Cytogenetic location: 12q12.
Variant type: single nucleotide variant.
Coding change: c.1039A>T on transcript NM_016123.4 (MANE Select); coding-DNA position 1039, A replaced by T.
Protein change: p.Arg347Ter; replaces arginine 347 with a stop codon.
Molecular consequence: nonsense.
Genome position (GRCh38, 1-based): chr12:43,782,404, A>T. VCF-style: chr12-43782404-A-T. GRCh37 (hg19) VCF-style: chr12-44176207-A-T.
Other names: c.1039A>T, p.Arg347Ter (NM_001114182.3, NM_001351345.2); c.667A>T, p.Arg223Ter (NM_001145256.2, NM_001145257.2, NM_001145258.2 and 5 more transcripts); c.430A>T, p.Arg144Ter (NM_001351343.2, NM_001351344.2); short protein forms R347*, R223*, R144*.
Identifiers: ClinVar variation 2837459 (VCV002837459.5), dbSNP rs2540481422, ClinGen allele CA384477089.